The following is an entry in ClinVar:

NM_020971.3(SPTBN4):c.3319G>A (p.Ala1107Thr)

Gene: SPTBN4 (spectrin beta, non-erythrocytic 4; plus strand). Cytogenetic location: 19q13.2.
Variant type: single nucleotide variant.
Coding change: c.3319G>A on transcript NM_020971.3 (MANE Select); coding-DNA position 3319, G replaced by A.
Protein change: p.Ala1107Thr; replaces alanine 1107 with threonine.
Molecular consequence: missense variant.
Genome position (GRCh38, 1-based): chr19:40,519,816, G>A. VCF-style: chr19-40519816-G-A. GRCh37 (hg19) VCF-style: chr19-41025723-G-A.
Other names: short protein forms A1107T.
Identifiers: ClinVar variation 3254683 (VCV003254683.1), dbSNP rs1467778542.
Genomic context (GRCh38, chr19:40,519,816, plus strand): 5'-GCAGGGCGCCTGCAGCGCTTCCTACATGACCTCGACGCTTTCCTGGACTGGCTCGTGCGC[G>A]CCCAGGAGGCGGCGGGCGGCAGCGAGGGGCCCCTGCCCAACAGCCTAGAAGAGGCGGACG-3'
Protein context (NP_066022.2, residues 1097-1117): LDAFLDWLVR[Ala1107Thr]QEAAGGSEGP

ClinVar aggregate classification (germline): Uncertain significance (1 of 4 stars; one submission).

Conditions:
Neurodevelopmental disorder with hypotonia, neuropathy, and deafness (NEDHND). Also called: SPTBN4 Disorder; Myopathy, congenital, with neuropathy and deafness. Identifiers: MedGen C4479603, MONDO:0060496, OMIM 617519.

gnomAD v4.1: 2 of 1,433,388 alleles (0.00014%); highest among the groups gnomAD compares: South Asian, 0.0015%; no homozygotes.

Submission:

Victorian Clinical Genetics Services, Murdoch Childrens Research Institute
Classification: Uncertain significance for Neurodevelopmental disorder with hypotonia, neuropathy, and deafness. Last evaluated: 2023-07-16. Review status: criteria provided, single submitter. Criteria: ACMG Guidelines, 2015. Collection method: clinical testing. Allele origin: germline. Inheritance: Autosomal recessive inheritance. Affected: yes.
Comment: Based on the classification scheme VCGS_Germline_v1.3.4, this variant is classified as VUS-3C. Following criteria are met: 0102 - Loss of function is a known mechanism of disease in this gene and is associated with neurodevelopmental disorder with hypotonia, neuropathy, and deafness (MIM#617519). (I) 0106 - This gene is associated with autosomal recessive disease. (I) 0200 - Variant is predicted to result in a missense amino acid change from alanine to threonine. (I) 0251 - This variant is heterozygous. (I) 0301 - Variant is absent from gnomAD (both v2 and v3). (SP) 0309 - An alternative amino acid change at the same position has been observed in gnomAD (v3) (1 heterozygote, 0 homozygotes). (I) 0503 - Missense variant consistently predicted to be tolerated by multiple in silico tools or not conserved in placental mammals with a minor amino acid change. (SB) 0600 - Variant is located in the annotated spectrin repeat domain (DECIPHER). (I) 0705 - No comparable missense variants have previous evidence for pathogenicity. (I) 0807 - This variant has no previous evidence of pathogenicity. (I) 0905 - No published segregation evidence has been identified for this variant. (I) 1007 - No published functional evidence has been identified for this variant. (I) 1208 - Inheritance information for this variant is not currently available in this individual. (I) Legend: (SP) - Supporting pathogenic, (I) - Information, (SB) - Supporting benign